The following is an entry in ClinVar:

NM_205836.3(FBXO38):c.206G>A (p.Arg69Gln)

Gene: FBXO38 (F-box protein 38; plus strand). Cytogenetic location: 5q32.
Variant type: single nucleotide variant.
Coding change: c.206G>A on transcript NM_205836.3 (MANE Select); coding-DNA position 206, G replaced by A.
Protein change: p.Arg69Gln; replaces arginine 69 with glutamine.
Molecular consequence: missense variant.
Genome position (GRCh38, 1-based): chr5:148,399,076, G>A. VCF-style: chr5-148399076-G-A. GRCh37 (hg19) VCF-style: chr5-147778639-G-A.
Other names: c.206G>A, p.Arg69Gln (NM_001271723.2, NM_030793.5); short protein forms R69Q.
Identifiers: ClinVar variation 1352158 (VCV001352158.6), dbSNP rs761704413, ClinGen allele CA3496987.
Genomic context (GRCh38, chr5:148,399,076, plus strand): 5'-ATATCATGTGTATGGAATGTCTTTCCCGGAAGCTAAAGGAAGCAGTGACCCTATATCTGC[G>A]AGTTGTGAGAGTTGTAGATCTCTGTGCAGGGCGGTGGTGGGAATACATGCCAAGTGGTAA-3'
Protein context (NP_995308.1, residues 59-79): KLKEAVTLYL[Arg69Gln]VVRVVDLCAG

ClinVar aggregate classification (germline): Uncertain significance (1 of 4 stars; one submission).

Conditions:
Distal hereditary motor neuropathy type 2. Identifiers: Orphanet 139525, MedGen C3711384, MeSH C580044, MONDO:0015352.

Allele frequency attached by ClinVar (database versions not stated): gnomAD exomes below 0.00001; ExAC 0.00001; gnomAD 0.00001; TOPMed 0.00001.
gnomAD v4.1: 6 of 1,613,386 alleles (0.00037%); highest among the groups gnomAD compares: East Asian, 0.0022%; no homozygotes.

Submission:

Labcorp Genetics (formerly Invitae), Labcorp
Classification: Uncertain significance for Distal hereditary motor neuropathy type 2. Last evaluated: 2021-09-21. Review status: criteria provided, single submitter. Criteria: Invitae Variant Classification Sherloc (09022015). Collection method: clinical testing. Allele origin: germline.
Comment: In summary, the available evidence is currently insufficient to determine the role of this variant in disease. Therefore, it has been classified as a Variant of Uncertain Significance. Algorithms developed to predict the effect of missense changes on protein structure and function are either unavailable or do not agree on the potential impact of this missense change (SIFT: "Deleterious"; PolyPhen-2: "Probably Damaging"; Align-GVGD: "Class C0"). This variant has not been reported in the literature in individuals affected with FBXO38-related conditions. This variant is present in population databases (rs761704413, ExAC 0.002%). This sequence change replaces arginine with glutamine at codon 69 of the FBXO38 protein (p.Arg69Gln). The arginine residue is moderately conserved and there is a small physicochemical difference between arginine and glutamine.